The following is an entry in ClinVar:

ClinVar aggregate classification (germline): Uncertain significance (1 of 4 stars; one submission).

Submission:

Labcorp Genetics (formerly Invitae), Labcorp
Classification: Uncertain significance. Last evaluated: 2022-02-04. Review status: criteria provided, single submitter. Criteria: Invitae Variant Classification Sherloc (09022015). Collection method: clinical testing. Allele origin: germline.
Comment: The frequency data for this variant in the population databases is considered unreliable, as metrics indicate poor data quality at this position in the gnomAD database. This sequence change replaces aspartic acid, which is acidic and polar, with asparagine, which is neutral and polar, at codon 598 of the CACNA2D4 protein (p.Asp598Asn). In summary, the available evidence is currently insufficient to determine the role of this variant in disease. Therefore, it has been classified as a Variant of Uncertain Significance. Algorithms developed to predict the effect of missense changes on protein structure and function are either unavailable or do not agree on the potential impact of this missense change (SIFT: "Deleterious"; PolyPhen-2: "Benign"; Align-GVGD: "Class C0"). ClinVar contains an entry for this variant (Variation ID: 1005306). This variant has not been reported in the literature in individuals affected with CACNA2D4-related conditions.

NM_172364.5(CACNA2D4):c.1792G>A (p.Asp598Asn)

Gene: CACNA2D4 (calcium voltage-gated channel auxiliary subunit alpha2delta 4; minus strand). Cytogenetic location: 12p13.33.
Variant type: single nucleotide variant.
Coding change: c.1792G>A on transcript NM_172364.5 (MANE Select); coding-DNA position 1792, G replaced by A.
Protein change: p.Asp598Asn; replaces aspartic acid 598 with asparagine.
Molecular consequence: missense variant.
Genome position (GRCh38, 1-based): chr12:1,875,265, C>T on the plus strand (G>A on the coding strand, the complement: CACNA2D4 is on the minus strand). VCF-style: chr12-1875265-C-T. GRCh37 (hg19) VCF-style: chr12-1984431-C-T.
Other names: short protein forms D598N.
Identifiers: ClinVar variation 1005306 (VCV001005306.8), dbSNP rs1338981399, ClinGen allele CA383351094.
Genomic context (GRCh38, chr12:1,875,265, plus strand): 5'-ATGTAGAGCCTAACTAGCTTCCCTTCCCCCTATTTTCCCCACTCACAGATTCAGCCTGGT[C>T]TTCCCACTCCACTTCGGAGAGATCCACACTGTTGTAGTTAGGTTTGGGTTTTAGTTTCTT-3'
Protein context (NP_758952.4, residues 588-608): SVDLSEVEWE[Asp598Asn]QAESLRTAMI